The following is an entry in ClinVar:

ClinVar aggregate classification (germline): Pathogenic (1 of 4 stars; one submission).

Conditions:
Hereditary spastic paraplegia 11. Also called: Spastic Paraplegia 11; Nakamura Osame syndrome; Autosomal recessive hereditary spastic paraplegia, mental impairment, and thin corpus callosum; SPASTIC PARAPLEGIA, AUTOSOMAL RECESSIVE, COMPLICATED, WITH THIN CORPUS CALLOSUM; SPASTIC PARAPLEGIA, AUTOSOMAL RECESSIVE, WITH MENTAL IMPAIRMENT AND THIN CORPUS CALLOSUM; Spastic paraplegia, mental retardation and thin corpus callosum. Identifiers: Orphanet 2822, MedGen C1858479, MONDO:0011445, OMIM 604360.

Submission:

Labcorp Genetics (formerly Invitae), Labcorp
Classification: Pathogenic for Hereditary spastic paraplegia 11. Last evaluated: 2023-05-12. Review status: criteria provided, single submitter. Criteria: Invitae Variant Classification Sherloc (09022015). Collection method: clinical testing. Allele origin: germline.
Comment: For these reasons, this variant has been classified as Pathogenic. ClinVar contains an entry for this variant (Variation ID: 1458621). This variant has not been reported in the literature in individuals affected with SPG11-related conditions. This variant is not present in population databases (gnomAD no frequency). This sequence change creates a premature translational stop signal (p.Gly76Argfs*20) in the SPG11 gene. It is expected to result in an absent or disrupted protein product. Loss-of-function variants in SPG11 are known to be pathogenic (PMID: 19105190, 20110243, 22154821, 26556829).

Literature cited by the submitters: PubMed 19105190; PubMed 20110243; PubMed 22154821; PubMed 26556829.

NM_025137.4(SPG11):c.218_221dup (p.Gly76fs)

Gene: SPG11 (SPG11 vesicle trafficking associated, spatacsin; minus strand). Cytogenetic location: 15q21.1.
Variant type: Duplication.
Coding change: c.218_221dup on transcript NM_025137.4 (MANE Select); coding-DNA positions 218 to 221, 4 bases duplicated (GGGG; older notation c.218_221dupGGGG).
Protein change: p.Gly76fs; shifts the reading frame from glycine 76.
Molecular consequence: frameshift variant.
Genome position (GRCh38, 1-based): chr15:44,663,427-44,663,430, CCCC duplicated on the plus strand (GGGG on the coding strand, the reverse complement: SPG11 is on the minus strand). VCF-style (leftmost placement, unchanged base first): chr15-44663426-G-GCCCC. GRCh37 (hg19) VCF-style: chr15-44955624-G-GCCCC.
Other names: c.218_221dup, p.Gly76fs (NM_001160227.2); short protein forms G76fs.
Identifiers: ClinVar variation 1458621 (VCV001458621.6), dbSNP rs2141138155, ClinGen allele CA2573150748.
Genomic context (GRCh38, chr15:44,663,426, plus strand): 5'-GGCCCAACTCTCCCTCAGCACTTACTGCCAGAAGGGGCCCTCCAGGCAGCAGCGACCCCC[G>GCCCC]CCCCGGCTGCCAGGCGTCAAAGAAAGCACTTGGAGGCTGCCCGCAGCCGTCAGGCTCCCC-3'